The following is an entry in ClinVar:

ClinVar aggregate classification (germline): Uncertain significance (1 of 4 stars; one submission).

Submission:

Labcorp Genetics (formerly Invitae), Labcorp
Classification: Uncertain significance. Last evaluated: 2022-01-31. Review status: criteria provided, single submitter. Criteria: Invitae Variant Classification Sherloc (09022015). Collection method: clinical testing. Allele origin: germline.
Comment: A copy number gain of the genomic region encompassing the full coding sequence of the DFNA5 gene has been identified. The boundaries of this event are unknown as they extend beyond the assayed region for this gene and therefore may encompass additional genes. As the precise location of this event is unknown, it may be in tandem or it may be located elsewhere in the genome. This variant has not been reported in the literature in individuals affected with DFNA5-related conditions. In summary, the available evidence is currently insufficient to determine the role of this variant in disease. Therefore, it has been classified as a Variant of Uncertain Significance.

NC_000007.13:g.(?_24738645)_(25163738_?)dup

Genes: CYCS (cytochrome c, somatic; minus strand), GSDME (gasdermin E; minus strand), OSBPL3 (oxysterol binding protein like 3; minus strand). Cytogenetic location: 7p15.3.
Variant type: Duplication.
Identifiers: ClinVar variation 2425103 (VCV002425103.3).